The following is an entry in ClinVar:

ClinVar aggregate classification (germline): Uncertain significance. Review status: criteria provided, multiple submitters, no conflicts (2 of 4 stars). 3 submissions from 3 submitters: Uncertain significance (3). Last evaluated 2024-02-24.

Conditions:
Cataract 41 (CTRCT41). Also called: CATARACT 41, CONGENITAL NUCLEAR TYPE. Identifiers: Orphanet 91492, Orphanet 98991, Orphanet 98992, Orphanet 98995, MedGen C3805412, MONDO:0007287, OMIM 116400.
Autosomal dominant nonsyndromic hearing loss 6 (LFSNHL). Also called: DEAFNESS, AUTOSOMAL DOMINANT 6; DEAFNESS, AUTOSOMAL DOMINANT 14; DEAFNESS, AUTOSOMAL DOMINANT 38; Autosomal dominant nonsyndromic deafness 6. Identifiers: Orphanet 90635, MedGen C1833021, MONDO:0010963, OMIM 600965.
Type 2 diabetes mellitus. Also called: Type II diabetes mellitus. Identifiers: MedGen C0011860, MeSH D003924, MONDO:0005148, OMIM 125853, HP:0005978.
Wolfram-like syndrome. Also called: HEARING LOSS, PROGRESSIVE, WITH OPTIC ATROPHY AND/OR IMPAIRED GLUCOSE REGULATION. Identifiers: Orphanet 411590, MedGen C3280358, MONDO:0013673, OMIM 614296.
Wolfram syndrome 1 (WFS1). Identifiers: Orphanet 3463, MedGen C4551693, MONDO:0009101, OMIM 222300.

Allele frequency attached by ClinVar (database versions not stated): gnomAD exomes below 0.00001; TOPMed below 0.00001; ExAC 0.00001.
gnomAD v4.1: 5 of 1,613,122 alleles (0.00031%); highest among the groups gnomAD compares: African/African-American, 0.0013%; no homozygotes.

Submissions (3):

Labcorp Genetics (formerly Invitae), Labcorp
Classification: Uncertain significance. Last evaluated: 2024-02-24. Review status: criteria provided, single submitter. Criteria: Invitae Variant Classification Sherloc (09022015). Collection method: clinical testing. Allele origin: germline.
Comment: This sequence change replaces serine, which is neutral and polar, with asparagine, which is neutral and polar, at codon 869 of the WFS1 protein (p.Ser869Asn). This variant is present in population databases (rs759360634, gnomAD 0.006%). This variant has not been reported in the literature in individuals affected with WFS1-related conditions. ClinVar contains an entry for this variant (Variation ID: 1508796). Advanced modeling of protein sequence and biophysical properties (such as structural, functional, and spatial information, amino acid conservation, physicochemical variation, residue mobility, and thermodynamic stability) performed at Invitae indicates that this missense variant is not expected to disrupt WFS1 protein function with a negative predictive value of 95%. In summary, the available evidence is currently insufficient to determine the role of this variant in disease. Therefore, it has been classified as a Variant of Uncertain Significance.

Fulgent Genetics
Classification: Uncertain significance for Cataract 41; Type 2 diabetes mellitus; Wolfram syndrome 1; Autosomal dominant nonsyndromic hearing loss 6; Wolfram-like syndrome. Last evaluated: 2022-04-20. Review status: criteria provided, single submitter. Criteria: ACMG Guidelines, 2015. Collection method: clinical testing. Allele origin: unknown.

Blueprint Genetics
Classification: Uncertain significance. Last evaluated: 2021-09-14. Review status: criteria provided, single submitter. Criteria: ACMG Guidelines, 2015. Collection method: clinical testing. Allele origin: germline.

NM_006005.3(WFS1):c.2606G>A (p.Ser869Asn)

Gene: WFS1 (wolframin ER transmembrane glycoprotein; plus strand). Cytogenetic location: 4p16.1.
Variant type: single nucleotide variant.
Coding change: c.2606G>A on transcript NM_006005.3 (MANE Select); coding-DNA position 2606, G replaced by A.
Protein change: p.Ser869Asn; replaces serine 869 with asparagine.
Molecular consequence: missense variant.
Genome position (GRCh38, 1-based): chr4:6,302,401, G>A. VCF-style: chr4-6302401-G-A. GRCh37 (hg19) VCF-style: chr4-6304128-G-A.
Other names: c.2606G>A, p.Ser869Asn (NM_001145853.1); short protein forms S869N.
Identifiers: ClinVar variation 1508796 (VCV001508796.7), dbSNP rs759360634, ClinGen allele CA2839802.